The following is an entry in ClinVar:

ClinVar aggregate classification (germline): Likely pathogenic (1 of 4 stars; one submission).

Conditions:
Hyperammonemic encephalopathy due to carbonic anhydrase VA deficiency. Also called: Carbonic Anhydrase VA Deficiency; Carbonic anhydrase VA deficiency, hyperammonemia due to. Identifiers: Orphanet 401948, MedGen C4706871, MONDO:0014332, OMIM 615751.

Submission:

Juno Genomics, Hangzhou Juno Genomics, Inc
Classification: Likely pathogenic for Hyperammonemic encephalopathy due to carbonic anhydrase VA deficiency. Review status: criteria provided, single submitter. Criteria: ACMG Guidelines, 2015. Collection method: clinical testing. Allele origin: germline.
Comment: Null variant in a gene where loss of function (LOF) is a known mechanism of disease.;Absent from controls (or at extremely low frequency if recessive) in Genome Aggregation Database.

NM_001739.2(CA5A):c.622del (p.Ala208fs)

Gene: CA5A (carbonic anhydrase 5A; minus strand). Cytogenetic location: 16q24.2.
Variant type: Deletion.
Coding change: c.622del on transcript NM_001739.2 (MANE Select); coding-DNA position 622, one base deleted (G; older notation c.622delG).
Protein change: p.Ala208fs; shifts the reading frame from alanine 208.
Molecular consequence: frameshift variant. On other transcripts: non-coding transcript variant (2).
Genome position (GRCh38, 1-based): chr16:87,891,951, C deleted on the plus strand (G on the coding strand, the reverse complement: CA5A is on the minus strand). VCF-style (leftmost placement, unchanged base first): chr16-87891950-GC-G. GRCh37 (hg19) VCF-style: chr16-87925556-GC-G.
Other names: c.622del, p.Ala208fs (NM_001367225.1); short protein forms A208fs.
Identifiers: ClinVar variation 5005650 (VCV005005650.2).
Genomic context (GRCh38, chr16:87,891,950, plus strand): 5'-CAGTAATCCCAGCAGGTGGGCAGCAGAGTGGAGGGGTCGAAGGGGCGCATGGCCGCCCGC[GC>G]GTCCTGAGAGACCGAGAAGCACAGGACGTGTCAGTCCTCAGGGGAGACTAGGAGCTTCCA-3'